The following is an entry in ClinVar:

ClinVar aggregate classification (germline): Uncertain significance (1 of 4 stars; one submission).

Submission:

Labcorp Genetics (formerly Invitae), Labcorp
Classification: Uncertain significance. Last evaluated: 2024-04-04. Review status: criteria provided, single submitter. Criteria: Invitae Variant Classification Sherloc (09022015). Collection method: clinical testing. Allele origin: germline.
Comment: This sequence change replaces tryptophan, which is neutral and slightly polar, with cysteine, which is neutral and slightly polar, at codon 495 of the CFB protein (p.Trp495Cys). This variant is not present in population databases (gnomAD no frequency). This variant has not been reported in the literature in individuals affected with CFB-related conditions. Advanced modeling of protein sequence and biophysical properties (such as structural, functional, and spatial information, amino acid conservation, physicochemical variation, residue mobility, and thermodynamic stability) performed at Invitae indicates that this missense variant is expected to disrupt CFB protein function with a positive predictive value of 80%. In summary, the available evidence is currently insufficient to determine the role of this variant in disease. Therefore, it has been classified as a Variant of Uncertain Significance.

NM_001710.6(CFB):c.1485G>C (p.Trp495Cys)

Gene: CFB (complement factor B; plus strand). Cytogenetic location: 6p21.33.
Variant type: single nucleotide variant.
Coding change: c.1485G>C on transcript NM_001710.6 (MANE Select); coding-DNA position 1485, G replaced by C.
Protein change: p.Trp495Cys; replaces tryptophan 495 with cysteine.
Molecular consequence: missense variant.
Genome position (GRCh38, 1-based): chr6:31,950,126, G>C. VCF-style: chr6-31950126-G-C. GRCh37 (hg19) VCF-style: chr6-31917903-G-C.
Other names: short protein forms W495C.
Identifiers: ClinVar variation 3648816 (VCV003648816.2).